The following is an entry in ClinVar:

ClinVar aggregate classification (germline): Conflicting classifications of pathogenicity. Review status: criteria provided, conflicting classifications (1 of 4 stars). 8 submissions from 8 submitters: Pathogenic (1); Uncertain significance (7). Last evaluated 2025-12-22.

Conditions:
Oligodontia-cancer predisposition syndrome. Also called: TOOTH AGENESIS-COLORECTAL CANCER SYNDROME. Identifiers: Orphanet 300576, MedGen C1837750, MONDO:0012075, OMIM 608615. Disease mechanism: loss of function.
AXIN2-related attenuated familial adenomatous polyposis. Identifiers: Orphanet 401911, MedGen C5680012, MONDO:0018426.
Colorectal cancer. Also called: Malignant Colorectal Neoplasm; Colorectal cancer, somatic. Identifiers: MedGen C0346629, MONDO:0005575, OMIM 114500.
Hereditary cancer-predisposing syndrome. Also called: Tumor predisposition; Hereditary Cancer Syndrome; Neoplastic Syndromes, Hereditary; Hereditary neoplastic syndrome. Identifiers: Orphanet 140162, MedGen C0027672, MeSH D009386, MONDO:0015356.

Submissions (8):

Labcorp Genetics (formerly Invitae), Labcorp
Classification: Uncertain significance for Oligodontia-cancer predisposition syndrome. Last evaluated: 2025-12-22. Review status: criteria provided, single submitter. Criteria: Invitae Variant Classification Sherloc (09022015). Collection method: clinical testing. Allele origin: germline.
Comment: This sequence change affects the initiator codon of the AXIN2 mRNA. This change may impact translation initiation or efficiency. The next in-frame methionine is located at codon 5. This variant is present in population databases (rs768265778, gnomAD 0.007%). Disruption of the initiator codon has been observed in individual(s) with clinical features of AXIN2-related conditions (PMID: 26681312, 36502525). ClinVar contains an entry for this variant (Variation ID: 239971). Experimental studies and prediction algorithms are not available or were not evaluated, and the functional significance of this variant is currently unknown. In summary, the available evidence is currently insufficient to determine the role of this variant in disease. Therefore, it has been classified as a Variant of Uncertain Significance.

Ambry Genetics
Classification: Uncertain significance for Hereditary cancer-predisposing syndrome. Last evaluated: 2025-01-02. Review status: criteria provided, single submitter. Criteria: Ambry Variant Classification Scheme 2023. Collection method: clinical testing. Allele origin: germline.
Comment: The c.-12_8del20 variant (also known as p.M1?) is located in coding exon 1 of the AXIN2 gene and results from a deletion of 20 nucleotides at positions c.-12 to c.8. This removes the methionine residue at the initiation codon. This alteration was identified in 1/10030 consecutive patients referred for evaluation by an NGS hereditary cancer panel (Susswein LR et al. Genet. Med., 2016 08;18:823-32). This variant has been reported in a French family with oligodontia (Leclerc J et al. Genes Chromosomes Cancer. 2023 Apr;62(4):210-222). This alteration has been observed in at least one individual with a personal and/or family history that is consistent with AXIN2-related disease but also in unaffected individuals (Ambry internal data). Variations that modify the initiation codon (ATG) are expected to result in either loss of translation initiation, N-terminal truncation, or cause a shift in the mRNA reading frame; however, there is an alternate in-frame methionine 4 amino acids from the initiation site, which may result in N-terminal truncation of unknown significance. Since supporting evidence is limited at this time, the clinical significance of this alteration remains unclear.

CeGaT Center for Human Genetics Tuebingen
Classification: Uncertain significance. Last evaluated: 2024-11-01. Review status: criteria provided, single submitter. Criteria: CeGaT Center For Human Genetics Tuebingen Variant Classification Criteria Version 2. Collection method: clinical testing. Allele origin: germline. Affected: yes. Observed: 1 variant allele.

GeneDx
Classification: Uncertain significance. Last evaluated: 2024-10-21. Review status: criteria provided, single submitter. Criteria: GeneDx Variant Classification Process June 2021. Collection method: clinical testing. Allele origin: germline. Affected: yes.
Comment: Deletion involving the initiation codon in a gene for which a downstream in-frame ATG could serve as an alternate initiator codon; Observed in an individual with breast cancer (PMID: 26681312); Not observed at significant frequency in large population cohorts (gnomAD); This variant is associated with the following publications: (PMID: 15611123, 26681312, 36502525)

Baylor Genetics
Classification: Uncertain significance for Colorectal cancer. Last evaluated: 2024-03-05. Review status: criteria provided, single submitter. Criteria: ACMG Guidelines, 2015. Collection method: clinical testing. Allele origin: unknown.

Quest Diagnostics Nichols Institute San Juan Capistrano
Classification: Uncertain significance. Last evaluated: 2023-12-05. Review status: criteria provided, single submitter. Criteria: Quest Diagnostics criteria. Collection method: clinical testing. Allele origin: unknown.
Comment: The AXIN2 c.-12_8del variant disrupts the translation initiation codon of the AXIN2 mRNA and is predicted to interfere with AXIN2 protein synthesis, however there is alternate in-frame methionine located downstream at the 5th codon that results in a biologically relevant transcript. In the published literature, this variant has been reported in individuals with colorectal polyps and intestinal cancer (PMID: 36502525 (2022)) and breast cancer (PMID: 26681312 (2015)). The frequency of this variant in the general population, 0.0000083 (2/241688 chromosomes (Genome Aggregation Database)), is uninformative in the assessment of its pathogenicity. Based on the available information, we are unable to determine the clinical significance of this variant.

Centre de Biologie Pathologie Génétique, Centre Hospitalier Universitaire de Lille
Classification: Pathogenic for AXIN2-related attenuated familial adenomatous polyposis. Last evaluated: 2021-02-01. Review status: criteria provided, single submitter. Criteria: ACMG Guidelines, 2015. Collection method: clinical testing. Allele origin: germline. Affected: yes.

ARUP Laboratories, Molecular Genetics and Genomics, ARUP Laboratories
Classification: Uncertain significance. Last evaluated: 2020-12-26. Review status: criteria provided, single submitter. Criteria: ARUP Molecular Germline Variant Investigation Process 2021. Collection method: clinical testing. Allele origin: germline.
Comment: The AXIN2 c.-12_8del; p.Met1? variant (rs768265778) is reported in the literature in at least one individual affected with breast cancer (Susswein 2016). This variant is also reported in ClinVar (Variation ID: 239971), and is only observed on two alleles in the Genome Aggregation Database, indicating it is not a common polymorphism. This variant causes loss of the canonical initiator methionine codon by deleting 12 nucleotides upstream of the ATG start site and 8 nucleotides of the coding region. While this variant is predicted to disrupt protein translation from the normal start site, there is an alternate in-frame methionine located just downstream. However, without functional studies, the effect of this variant on translation is unknown. Due to limited information, the clinical significance of the c.-12_8del; p.Met1? variant is uncertain at this time. References: Susswein LR et al. Pathogenic and likely pathogenic variant prevalence among the first 10,000 patients referred for next-generation cancer panel testing. Genet Med. 2016 Aug;18(8):823-32.

Literature cited by the submitters: PubMed 26681312 (cited by 3 submitters); PubMed 36502525 (cited by 3 submitters).

NM_004655.4(AXIN2):c.-12_8del (p.Met1fs)

Gene: AXIN2 (axin 2; minus strand). Cytogenetic location: 17q24.1.
Variant type: Deletion.
Coding change: c.-12_8del on transcript NM_004655.4 (MANE Select); 12 bases upstream of the start codon through coding-DNA position 8, 20 bases deleted (AGCTCCCTCACCATGAGTAG).
Protein change: p.Met1fs; shifts the reading frame from methionine 1.
Molecular consequence: frameshift variant, initiator codon variant.
Genome position (GRCh38, 1-based): chr17:65,558,613-65,558,632, CTACTCATGGTGAGGGAGCT deleted on the plus strand (AGCTCCCTCACCATGAGTAG on the coding strand, the reverse complement: AXIN2 is on the minus strand); deleting any 20 consecutive bases within chr17:65,558,613-65,558,634 gives the same sequence; the c. name uses the placement nearest the transcript's 3' end. VCF-style (leftmost placement, unchanged base first): chr17-65558612-GCTACTCATGGTGAGGGAGCT-G. GRCh37 (hg19) VCF-style: chr17-63554730-GCTACTCATGGTGAGGGAGCT-G.
Other names: c.-12_8del (LRG_296t1); c.-12_8delAGCTCCCTCACCATGAGTAG (NM_004655.3); c.-12_8del, p.Met1fs (NM_001363813.1); short protein forms M1fs.
Identifiers: ClinVar variation 239971 (VCV000239971.42), dbSNP rs768265778, ClinGen allele CA8719116.